The following is an entry in ClinVar:

NM_001739.2(CA5A):c.214A>C (p.Arg72=)

Gene: CA5A (carbonic anhydrase 5A; minus strand). Cytogenetic location: 16q24.2.
Variant type: single nucleotide variant.
Coding change: c.214A>C on transcript NM_001739.2 (MANE Select); coding-DNA position 214, A replaced by C.
Protein change: p.Arg72=; no amino-acid change (arginine 72 retained).
Molecular consequence: synonymous variant. On other transcripts: non-coding transcript variant (2).
Genome position (GRCh38, 1-based): chr16:87,926,874, T>G on the plus strand (A>C on the coding strand, the complement: CA5A is on the minus strand). VCF-style: chr16-87926874-T-G. GRCh37 (hg19) VCF-style: chr16-87960480-T-G.
Other names: c.214A>C, p.Arg72= (NM_001367225.1).
Identifiers: ClinVar variation 559307 (VCV000559307.41), dbSNP rs150841082, ClinGen allele CA8223587.

ClinVar aggregate classification (germline): Likely benign. Review status: criteria provided, multiple submitters, no conflicts (2 of 4 stars). 5 submissions from 5 submitters: Likely benign (3). 2 of the submissions do not count toward it. Last evaluated 2026-05-01.

Conditions:
CA5A-related disorder. Also called: CA5A-related condition.
Hyperammonemic encephalopathy due to carbonic anhydrase VA deficiency. Also called: Carbonic Anhydrase VA Deficiency; Carbonic anhydrase VA deficiency, hyperammonemia due to. Identifiers: Orphanet 401948, MedGen C4706871, MONDO:0014332, OMIM 615751.

Allele frequency attached by ClinVar (database versions not stated): ExAC 0.00083; gnomAD 0.00083 and 0.00088; TOPMed 0.00084; ESP Exome Variant Server 0.00085; gnomAD exomes 0.00086 and 0.00161; 1000 Genomes Project 0.00120; 1000 Genomes Project 30x 0.00125.
gnomAD v4.1: 2,486 of 1,612,346 alleles (0.15%); highest among the groups gnomAD compares: Non-Finnish European, 0.19%; 3 homozygotes.

Submissions (5):

CeGaT Center for Human Genetics Tuebingen
Classification: Likely benign. Last evaluated: 2026-05-01. Review status: criteria provided, single submitter. Criteria: CeGaT Center For Human Genetics Tuebingen Variant Classification Criteria Version 2. Collection method: clinical testing. Allele origin: germline. Affected: yes. Observed: 6 variant alleles.
Comment: CA5A: BP4, BP7

Labcorp Genetics (formerly Invitae), Labcorp
Classification: Likely benign for Hyperammonemic encephalopathy due to carbonic anhydrase VA deficiency. Last evaluated: 2025-10-25. Review status: criteria provided, single submitter. Criteria: Invitae Variant Classification Sherloc (09022015). Collection method: clinical testing. Allele origin: germline.

Blueprint Genetics
Classification: Likely benign. Last evaluated: 2024-11-25. Review status: criteria provided, single submitter. Criteria: ACMG Guidelines, 2015. Collection method: clinical testing. Allele origin: germline.

PreventionGenetics, part of Exact Sciences
Classification: Likely benign for CA5A-related condition. Last evaluated: 2020-01-02. Review status: no assertion criteria provided. Collection method: clinical testing. Allele origin: germline. Not counted in ClinVar's aggregate classification.
Comment: This variant is classified as likely benign based on ACMG/AMP sequence variant interpretation guidelines (Richards et al. 2015 PMID: 25741868, with internal and published modifications).

Mayo Clinic Laboratories, Mayo Clinic
Classification: Likely benign. Last evaluated: 2016-02-26. Review status: no assertion criteria provided. Collection method: clinical testing. Allele origin: unknown. Not counted in ClinVar's aggregate classification.